The following is an entry in ClinVar:

ClinVar aggregate classification (germline): Uncertain significance. Review status: criteria provided, multiple submitters, no conflicts (2 of 4 stars). 2 submissions from 2 submitters: Uncertain significance (2). Last evaluated 2019-06-20.

Conditions:
Long QT syndrome (LQTS). Identifiers: MedGen C0023976, MeSH D008133, MONDO:0002442. Disease mechanism: loss of function. Inheritance: Various modes of inheritance.

Allele frequency attached by ClinVar (database versions not stated): gnomAD exomes below 0.00001.

Submissions (2):

Labcorp Genetics (formerly Invitae), Labcorp
Classification: Uncertain significance for Long QT syndrome. Last evaluated: 2019-06-20. Review status: criteria provided, single submitter. Criteria: Invitae Variant Classification Sherloc (09022015). Collection method: clinical testing. Allele origin: germline.
Comment: This variant has not been reported in the literature in individuals with AKAP9-related conditions. ClinVar contains an entry for this variant (Variation ID: 520513). In summary, the available evidence is currently insufficient to determine the role of this variant in disease. Therefore, it has been classified as a Variant of Uncertain Significance. The current clinical and genetic evidence is not sufficient to establish whether loss-of-function variants in AKAP9 cause disease. This variant is not present in population databases (ExAC no frequency). This sequence change creates a premature translational stop signal (p.Arg1900*) in the AKAP9 gene. It is expected to result in an absent or disrupted protein product.

Molecular Diagnostic Laboratory for Inherited Cardiovascular Disease, Montreal Heart Institute
Classification: Uncertain significance for Congenital long QT syndrome. Last evaluated: 2016-12-30. Review status: criteria provided, single submitter. Criteria: ACMG Guidelines, 2015. Collection method: clinical testing. Allele origin: germline. Affected: yes.

NM_005751.5(AKAP9):c.5698C>T (p.Arg1900Ter)

Gene: AKAP9 (A-kinase anchoring protein 9; plus strand). Cytogenetic location: 7q21.2.
Variant type: single nucleotide variant.
Coding change: c.5698C>T on transcript NM_005751.5 (MANE Select); coding-DNA position 5698, C replaced by T.
Protein change: p.Arg1900Ter; replaces arginine 1900 with a stop codon.
Molecular consequence: nonsense.
Genome position (GRCh38, 1-based): chr7:92,061,356, C>T. VCF-style: chr7-92061356-C-T. GRCh37 (hg19) VCF-style: chr7-91690670-C-T.
Other names: c.343C>T, p.Arg115Ter (NM_001379277.1); c.5698C>T, p.Arg1900Ter (NM_147185.3); short protein forms R1900*, R115*.
Identifiers: ClinVar variation 520513 (VCV000520513.9), dbSNP rs978219635, ClinGen allele CA161912482.
Genomic context (GRCh38, chr7:92,061,356, plus strand): 5'-CGTGAGTCATTTAGACAGAAACAAGAAGCAACAGAGTCCCTTAAGTGCCAAGAGGAACTT[C>T]GAGAGCGCCTTCATGAGGAGTCCAGGGCCAGAGAACAGCTAGCTGTGGAGCTCAGTAAGG-3'